The following is an entry in ClinVar:

NM_001130987.2(DYSF):c.225G>A (p.Thr75=)

Gene: DYSF (dysferlin; plus strand). Cytogenetic location: 2p13.2.
Variant type: single nucleotide variant.
Coding change: c.225G>A on transcript NM_001130987.2 (MANE Select); coding-DNA position 225, G replaced by A.
Protein change: p.Thr75=; no amino-acid change (threonine 75 retained).
Molecular consequence: synonymous variant.
Genome position (GRCh38, 1-based): chr2:71,481,956, G>A. VCF-style: chr2-71481956-G-A. GRCh37 (hg19) VCF-style: chr2-71709086-G-A.
Other names: c.225G>A, p.Thr75= (NM_001130455.2, NM_001130982.2, NM_001130983.2 and 3 more transcripts); c.222G>A, p.Thr74= (NM_001130976.2, NM_001130977.2, NM_001130978.2 and 4 more transcripts).
Identifiers: ClinVar variation 336942 (VCV000336942.25), dbSNP rs200957354, ClinGen allele CA1705260.
Genomic context (GRCh38, chr2:71,481,956, plus strand): 5'-CAAGGGCATCCCCCTGGACCAGGGCTCTGAGCTTCATGTGGTGGTCAAAGACCATGAGAC[G>A]ATGGGGAGGAACAGGTAAGGTGGCCAGAGGGGGGTGCTCCATGGCTTGAAGGTGCAGGTA-3'
Protein context (NP_001124459.1, residues 65-85): ELHVVVKDHE[Thr75=]MGRNRFLGEA

ClinVar aggregate classification (germline): Conflicting classifications of pathogenicity. Review status: criteria provided, conflicting classifications (1 of 4 stars). 8 submissions from 8 submitters: Uncertain significance (1); Benign (2); Likely benign (4). 1 of the submissions does not count toward it. Last evaluated 2026-01-03.

Conditions:
Neuromuscular disease caused by qualitative or quantitative defects of dysferlin. Also called: Dysferlinopathy; Qualitative or quantitative defects of dysferlin. Identifiers: Orphanet 207073, MedGen C2931687, MONDO:0016145.
Autosomal recessive limb-girdle muscular dystrophy type 2B (LGMDR2). Also called: MUSCULAR DYSTROPHY, LIMB-GIRDLE, TYPE 3; Limb-Girdle Muscular Dystrophy Type 2B (LGMD2B); MUSCULAR DYSTROPHY, LIMB-GIRDLE, AUTOSOMAL RECESSIVE 2; Limb-girdle muscular dystrophy, type 2B. Identifiers: Orphanet 268, MedGen C1850889, MONDO:0009676, OMIM 253601.
DYSF-related disorder. Also called: DYSF-related disorders; DYSF-related condition.

Allele frequency attached by ClinVar (database versions not stated): ESP Exome Variant Server 0.00008; gnomAD 0.00016; TOPMed 0.00019; gnomAD exomes 0.00027.
gnomAD v4.1: 214 of 1,613,986 alleles (0.013%); highest among the groups gnomAD compares: East Asian, 0.031%; no homozygotes.

Submissions (8):

Labcorp Genetics (formerly Invitae), Labcorp
Classification: Benign for Neuromuscular disease caused by qualitative or quantitative defects of dysferlin. Last evaluated: 2026-01-03. Review status: criteria provided, single submitter. Criteria: Invitae Variant Classification Sherloc (09022015). Collection method: clinical testing. Allele origin: germline.

Revvity Omics, Revvity
Classification: Likely benign. Last evaluated: 2025-03-11. Review status: criteria provided, single submitter. Criteria: ACMG Guidelines, 2015. Collection method: clinical testing. Allele origin: germline.

PreventionGenetics, part of Exact Sciences
Classification: Likely benign for DYSF-related condition. Last evaluated: 2024-10-03. Review status: criteria provided, single submitter. Criteria: ACMG Guidelines, 2015. Collection method: clinical testing. Allele origin: germline.
Comment: This variant is classified as likely benign based on ACMG/AMP sequence variant interpretation guidelines (Richards et al. 2015 PMID: 25741868, with internal and published modifications).

Blueprint Genetics
Classification: Likely benign. Last evaluated: 2024-01-03. Review status: criteria provided, single submitter. Criteria: ACMG Guidelines, 2015. Collection method: clinical testing. Allele origin: germline.

GeneDx
Classification: Likely benign. Last evaluated: 2018-02-26. Review status: criteria provided, single submitter. Criteria: GeneDx Variant Classification (06012015). Collection method: clinical testing. Allele origin: germline. Affected: yes.
Comment: This variant is considered likely benign or benign based on one or more of the following criteria: it is a conservative change, it occurs at a poorly conserved position in the protein, it is predicted to be benign by multiple in silico algorithms, and/or has population frequency not consistent with disease.

Athena Diagnostics
Classification: Benign. Last evaluated: 2017-12-30. Review status: criteria provided, single submitter. Criteria: Athena Diagnostics Criteria. Collection method: clinical testing. Allele origin: germline.

Eurofins Ntd Llc (ga)
Classification: Uncertain significance. Last evaluated: 2017-01-20. Review status: criteria provided, single submitter. Criteria: EGL Classification Definitions 2015. Collection method: clinical testing. Allele origin: germline. Observed: 1 variant allele, 1 heterozygote.

Natera, Inc.
Classification: Likely benign for Limb-girdle muscular dystrophy type 2B. Last evaluated: 2020-01-02. Review status: no assertion criteria provided. Collection method: clinical testing. Allele origin: germline. Not counted in ClinVar's aggregate classification.